The following is an entry in ClinVar:

ClinVar aggregate classification (germline): Likely benign (1 of 4 stars; one submission).

Conditions:
Progressive sclerosing poliodystrophy (MTDPS4A). Also called: Alpers-Huttenlocher Syndrome (AHS); Alpers Syndrome; ALPERS PROGRESSIVE INFANTILE POLIODYSTROPHY; Mitochondrial DNA depletion syndrome 4A (Alpers type); ALPERS DIFFUSE DEGENERATION OF CEREBRAL GRAY MATTER WITH HEPATIC CIRRHOSIS; Alpers-Huttenlocher Syndrome. Identifiers: Orphanet 726, MedGen C0205710, MONDO:0008758, OMIM 203700.

Submission:

Wong Mito Lab, Molecular and Human Genetics, Baylor College of Medicine
Classification: Likely benign for Progressive sclerosing poliodystrophy. Last evaluated: 2018-10-01. Review status: criteria provided, single submitter. Criteria: ACMG Guidelines, 2015. Collection method: clinical testing. Allele origin: germline.
Comment: The NM_002693.2:c.1250+27_1250+28del (NP_002684.1:p.=) [GRCH38: NC_000015.10:g.89328431_89328432del] variant in POLG gene is interpretated to be a Likely Benign based on ACMG guidelines (PMID: 25741868). This variant meets the following evidence codes reported in the ACMG-guideline. BS1:The minor allele frequency of this allele is high for Mitochondrial DNA depletion syndrome 4A (Alpers type). BP6:Reputable source(s) without shared data suggest the variant is benign. BP4:Computational evidence/predictors indicate no impact on the POLG structure, function, or protein-protein interaction. Based on the evidence criteria codes applied, the variant is suggested to be Likely Benign.

NM_002693.3(POLG):c.1250+27_1250+28del

Gene: POLG (DNA polymerase gamma, catalytic subunit; minus strand). Cytogenetic location: 15q26.1.
Variant type: Microsatellite.
Coding change: c.1250+27_1250+28del on transcript NM_002693.3 (MANE Select); bases 27 to 28 of the intron after coding-DNA position 1250, 2 bases deleted (CT; older notation c.1250+27_1250+28delCT).
Molecular consequence: intron variant.
Genome position (GRCh38, 1-based): chr15:89,328,428-89,328,429, AG deleted on the plus strand (CT on the coding strand, the reverse complement: POLG is on the minus strand); deleting any 2 consecutive bases within chr15:89,328,428-89,328,432 gives the same sequence; the c. name uses the placement nearest the transcript's 3' end. VCF-style (leftmost placement, unchanged base first): chr15-89328427-CAG-C. GRCh37 (hg19) VCF-style: chr15-89871658-CAG-C.
Other names: c.1250+27_1250+28del (NM_001126131.2).
Identifiers: ClinVar variation 619354 (VCV000619354.1), dbSNP rs776623760, ClinGen allele CA7724907.